The following is an entry in ClinVar:

NM_000059.4(BRCA2):c.568C>G (p.Pro190Ala)

Gene: BRCA2 (BRCA2 DNA repair associated; plus strand). Cytogenetic location: 13q13.1.
Variant type: single nucleotide variant.
Coding change: c.568C>G on transcript NM_000059.4 (MANE Select); coding-DNA position 568, C replaced by G.
Protein change: p.Pro190Ala; replaces proline 190 with alanine.
Molecular consequence: missense variant.
Genome position (GRCh38, 1-based): chr13:32,326,550, C>G. VCF-style: chr13-32326550-C-G. GRCh37 (hg19) VCF-style: chr13-32900687-C-G.
Other names: short protein forms P190A.
Identifiers: ClinVar variation 219928 (VCV000219928.15), dbSNP rs864622312, ClinGen allele CA350491.

ClinVar aggregate classification (germline): Uncertain significance. Review status: criteria provided, multiple submitters, no conflicts (2 of 4 stars). 3 submissions from 3 submitters: Uncertain significance (3). Last evaluated 2025-11-09.

Conditions:
Hereditary cancer-predisposing syndrome. Also called: Hereditary neoplastic syndrome; Tumor predisposition; Hereditary Cancer Syndrome; Neoplastic Syndromes, Hereditary. Identifiers: Orphanet 140162, MedGen C0027672, MeSH D009386, MONDO:0015356.
Hereditary breast ovarian cancer syndrome. Also called: BRCA1- and BRCA2-Associated Hereditary Breast and Ovarian Cancer; Hereditary breast and ovarian cancer syndrome (HBOC); Hereditary breast and/or ovarian cancer syndrome; Hereditary breast and ovarian cancer syndrome; Hereditary breast and ovarian cancer; Breast and ovarian cancer. Identifiers: Orphanet 145, MedGen C0677776, MeSH D061325, MONDO:0003582. Disease mechanism: loss of function.
Familial cancer of breast. Also called: hereditary breast carcinoma; Hereditary breast cancer; BREAST CANCER, FAMILIAL. Identifiers: Orphanet 227535, MedGen C0346153, MONDO:0016419, OMIM 114480. Disease mechanism: loss of function.

Submissions (3):

Ambry Genetics
Classification: Uncertain significance for Hereditary cancer-predisposing syndrome. Last evaluated: 2025-11-09. Review status: criteria provided, single submitter. Criteria: Ambry Variant Classification Scheme 2023. Collection method: clinical testing. Allele origin: germline.
Comment: The p.P190A variant (also known as c.568C>G), located in coding exon 6 of the BRCA2 gene, results from a C to G substitution at nucleotide position 568. The proline at codon 190 is replaced by alanine, an amino acid with highly similar properties. This amino acid position is well conserved in available vertebrate species. In addition, this alteration is predicted to be tolerated by in silico analysis. Since supporting evidence is limited at this time, the clinical significance of this alteration remains unclear.

Baylor Genetics
Classification: Uncertain significance for Familial cancer of breast. Last evaluated: 2023-11-13. Review status: criteria provided, single submitter. Criteria: ACMG Guidelines, 2015. Collection method: clinical testing. Allele origin: unknown.

Labcorp Genetics (formerly Invitae), Labcorp
Classification: Uncertain significance for Hereditary breast ovarian cancer syndrome. Last evaluated: 2022-02-03. Review status: criteria provided, single submitter. Criteria: Invitae Variant Classification Sherloc (09022015). Collection method: clinical testing. Allele origin: germline.
Comment: ClinVar contains an entry for this variant (Variation ID: 219928). This sequence change replaces proline, which is neutral and non-polar, with alanine, which is neutral and non-polar, at codon 190 of the BRCA2 protein (p.Pro190Ala). This variant is not present in population databases (gnomAD no frequency). This variant has not been reported in the literature in individuals affected with BRCA2-related conditions. Advanced modeling of protein sequence and biophysical properties (such as structural, functional, and spatial information, amino acid conservation, physicochemical variation, residue mobility, and thermodynamic stability) performed at Invitae indicates that this missense variant is not expected to disrupt BRCA2 protein function. In summary, the available evidence is currently insufficient to determine the role of this variant in disease. Therefore, it has been classified as a Variant of Uncertain Significance.

Literature cited by the submitters: PubMed 24010542 (cited by Ambry Genetics).